The following is an entry in ClinVar:

ClinVar aggregate classification (germline): Likely benign. Review status: criteria provided, multiple submitters, no conflicts (2 of 4 stars). 2 submissions from 2 submitters: Likely benign (2). Last evaluated 2026-04-01.

Conditions:
Inborn genetic diseases. Identifiers: MedGen C0950123, MeSH D030342.

gnomAD v4.1: 122 of 1,614,232 alleles (0.0076%); highest among the groups gnomAD compares: East Asian, 0.19%; no homozygotes.

Submissions (2):

CeGaT Center for Human Genetics Tuebingen
Classification: Likely benign. Last evaluated: 2026-04-01. Review status: criteria provided, single submitter. Criteria: CeGaT Center For Human Genetics Tuebingen Variant Classification Criteria Version 2. Collection method: clinical testing. Allele origin: germline. Affected: yes. Observed: 1 variant allele.
Comment: ZNF462: BS2

Ambry Genetics
Classification: Likely benign for Inborn genetic diseases. Last evaluated: 2024-05-30. Review status: criteria provided, single submitter. Criteria: Ambry Variant Classification Scheme 2023. Collection method: clinical testing. Allele origin: germline.

NM_021224.6(ZNF462):c.1422A>C (p.Glu474Asp)

Gene: ZNF462 (zinc finger protein 462; plus strand). Cytogenetic location: 9q31.2.
Variant type: single nucleotide variant.
Coding change: c.1422A>C on transcript NM_021224.6 (MANE Select); coding-DNA position 1422, A replaced by C.
Protein change: p.Glu474Asp; replaces glutamic acid 474 with aspartic acid.
Molecular consequence: missense variant.
Genome position (GRCh38, 1-based): chr9:106,925,334, A>C. VCF-style: chr9-106925334-A-C. GRCh37 (hg19) VCF-style: chr9-109687615-A-C.
Other names: c.1422A>C, p.Glu474Asp (NM_001347997.2); short protein forms E474D.
Identifiers: ClinVar variation 3258169 (VCV003258169.3).
Genomic context (GRCh38, chr9:106,925,334, plus strand): 5'-CTCTCGTCACATAGAAAACATCCACTTATCTGGAAAGACAGCTGTCTACAAATGTGACGA[A>C]TGTCCGTTTACTTGCAAGAGCTCGTTGAAACTTGGGGCTCACAAACAGTGTCACACGGGT-3'
Protein context (NP_067047.4, residues 464-484): SGKTAVYKCD[Glu474Asp]CPFTCKSSLK